The following is an entry in ClinVar:

ClinVar aggregate classification (germline): Uncertain significance (1 of 4 stars; one submission).

Conditions:
Immunodeficiency 39 (IMD39). Identifiers: Orphanet 574918, MedGen C4225358, MONDO:0014597, OMIM 616345.

gnomAD v4.1: 1 of 1,568,132 alleles (0.000064%); highest among the groups gnomAD compares: Non-Finnish European, 0.000086%; no homozygotes.

Submission:

Labcorp Genetics (formerly Invitae), Labcorp
Classification: Uncertain significance for Immunodeficiency 39. Last evaluated: 2025-11-21. Review status: criteria provided, single submitter. Criteria: Invitae Variant Classification Sherloc (09022015). Collection method: clinical testing. Allele origin: germline.
Comment: This sequence change replaces valine, which is neutral and non-polar, with isoleucine, which is neutral and non-polar, at codon 3 of the IRF7 protein (p.Val3Ile). This variant is not present in population databases (gnomAD no frequency). This variant has not been reported in the literature in individuals affected with IRF7-related conditions. ClinVar contains an entry for this variant (Variation ID: 960354). An algorithm developed to predict the effect of missense changes on protein structure and function (PolyPhen-2) suggests that this variant is likely to be tolerated. In summary, the available evidence is currently insufficient to determine the role of this variant in disease. Therefore, it has been classified as a Variant of Uncertain Significance.

NM_001572.5(IRF7):c.20+33G>A

Gene: IRF7 (interferon regulatory factor 7; minus strand). Cytogenetic location: 11p15.5.
Variant type: single nucleotide variant.
Coding change: c.20+33G>A on transcript NM_001572.5 (MANE Select); 33 bases into the intron after coding-DNA position 20, G replaced by A.
Molecular consequence: intron variant. On other transcripts: missense variant (1).
Genome position (GRCh38, 1-based): chr11:615,312, C>T on the plus strand (G>A on the coding strand, the complement: IRF7 is on the minus strand). VCF-style: chr11-615312-C-T. GRCh37 (hg19) VCF-style: chr11-615312-C-T.
Other names: c.7G>A, p.Val3Ile (NM_004031.4); c.20+33G>A (NM_004029.4); short protein forms V3I.
Identifiers: ClinVar variation 960354 (VCV000960354.9), dbSNP rs1441369178, ClinGen allele CA378985408.
Genomic context (GRCh38, chr11:615,312, plus strand): 5'-GGGCTGCCCTGCGGGTGCCCGGCCGCGGAGAGTCAGGGCCGGCTGCAGGGCGCTCGGGGA[C>T]TGGCATCTGGAGAGGGTGGGCCGGGCTCTTACCTCTCAGGAGCCAAGGCCATTGCTCCTT-3'